The following is an entry in ClinVar:

ClinVar aggregate classification (germline): Uncertain significance. Review status: criteria provided, single submitter (1 of 4 stars). 2 submissions from 2 submitters: Uncertain significance (1). 1 of the submissions does not count toward it. Last evaluated 2025-01-27.

Conditions:
TUB-related disorder. Also called: TUB-related condition.

Allele frequency attached by ClinVar (database versions not stated): ExAC 0.00006; gnomAD 0.00009; 1000 Genomes Project 0.00040; gnomAD exomes 0.00006; TOPMed 0.00008; ESP Exome Variant Server 0.00015; 1000 Genomes Project 30x 0.00062.
gnomAD v4.1: 111 of 1,614,110 alleles (0.0069%); highest among the groups gnomAD compares: Middle Eastern, 0.016%; no homozygotes.

Submissions (3):

Labcorp Genetics (formerly Invitae), Labcorp
Classification: Uncertain significance. Last evaluated: 2025-01-27. Review status: criteria provided, single submitter. Criteria: Invitae Variant Classification Sherloc (09022015). Collection method: clinical testing. Allele origin: germline.
Comment: This sequence change affects codon 518 of the TUB mRNA. It is a 'silent' change, meaning that it does not change the encoded amino acid sequence of the TUB protein. This variant is present in population databases (rs200511292, gnomAD 0.01%). This variant has not been reported in the literature in individuals affected with TUB-related conditions. ClinVar contains an entry for this variant (Variation ID: 938160). Algorithms developed to predict the effect of sequence changes on RNA splicing suggest that this variant may disrupt the consensus splice site. In summary, the available evidence is currently insufficient to determine the role of this variant in disease. Therefore, it has been classified as a Variant of Uncertain Significance.

PreventionGenetics, part of Exact Sciences
Classification: Likely benign for TUB-related condition. Last evaluated: 2021-08-18. Review status: no assertion criteria provided. Collection method: clinical testing. Allele origin: germline. Not counted in ClinVar's aggregate classification.
Comment: This variant is classified as likely benign based on ACMG/AMP sequence variant interpretation guidelines (Richards et al. 2015 PMID: 25741868, with internal and published modifications).

Dr. Peter K. Rogan Lab, Western University
No classification provided (evidence only). Condition: Thyroid cancer, nonmedullary, 1. Review status: no classification provided. Collection method: in vitro. Allele origin: not applicable. Functional consequence: retained intron. Not counted in ClinVar's aggregate classification.

NM_177972.3(TUB):c.1389G>A (p.Pro463=)

Genes: RIC3 (RIC3 acetylcholine receptor chaperone; minus strand), TUB (TUB bipartite transcription factor; plus strand). Cytogenetic location: 11p15.4.
Variant type: single nucleotide variant.
Coding change: c.1389G>A on transcript NM_177972.3 (MANE Select); coding-DNA position 1389, G replaced by A.
Protein change: p.Pro463=; no amino-acid change (proline 463 retained).
Molecular consequence: synonymous variant.
Genome position (GRCh38, 1-based): chr11:8,101,487, G>A. VCF-style: chr11-8101487-G-A. GRCh37 (hg19) VCF-style: chr11-8123034-G-A.
Other names: c.1554G>A, p.Pro518= (NM_003320.5).
Identifiers: ClinVar variation 938160 (VCV000938160.10), dbSNP rs200511292, ClinGen allele CA5871507.